The following is an entry in ClinVar:

ClinVar aggregate classification (germline): Uncertain significance (1 of 4 stars; one submission).

Conditions:
Ethylmalonic encephalopathy (EE). Also called: EPEMA syndrome; Encephalopathy, petechiae, and ethylmalonic aciduria; Syndrome of encephalopathy, petechiae, and ethylmalonic aciduria. Identifiers: Orphanet 51188, MedGen C1865349, MONDO:0011229, OMIM 602473. Disease mechanism: loss of function.

Submission:

Labcorp Genetics (formerly Invitae), Labcorp
Classification: Uncertain significance for Ethylmalonic encephalopathy. Last evaluated: 2024-01-08. Review status: criteria provided, single submitter. Criteria: Invitae Variant Classification Sherloc (09022015). Collection method: clinical testing. Allele origin: germline.
Comment: This sequence change affects codon 69 of the ETHE1 mRNA. It is a 'silent' change, meaning that it does not change the encoded amino acid sequence of the ETHE1 protein. Information on the frequency of this variant in the gnomAD database is not available, as this variant may be reported differently in the database. This variant has not been reported in the literature in individuals affected with ETHE1-related conditions. Experimental studies and prediction algorithms are not available or were not evaluated, and the effect of this variant on mRNA splicing is currently unknown. In summary, the available evidence is currently insufficient to determine the role of this variant in disease. Therefore, it has been classified as a Variant of Uncertain Significance.

NM_014297.5(ETHE1):c.207_208delinsAT (p.Gly69_Leu70=)

Gene: ETHE1 (ETHE1 persulfide dioxygenase; minus strand). Cytogenetic location: 19q13.31.
Variant type: Indel.
Coding change: c.207_208delinsAT on transcript NM_014297.5 (MANE Select); coding-DNA positions 207 to 208, GC replaced by AT.
Protein change: p.Gly69_Leu70=.
Molecular consequence: synonymous variant. On other transcripts: 5 prime UTR variant (1), intron variant (1).
Genome position (GRCh38, 1-based): chr19:43,526,533-43,526,534, GC replaced by AT on the plus strand (GC replaced by AT on the coding strand, the reverse complement: ETHE1 is on the minus strand). VCF-style: chr19-43526533-GC-AT. GRCh37 (hg19) VCF-style: chr19-44030685-GC-AT.
Other names: c.207_208delinsAT, p.Gly69_Leu70= (NM_001320867.2); c.-14_-13delinsAT (NM_001320868.2); c.81+563_81+564delinsAT (NM_001320869.2).
Identifiers: ClinVar variation 2914292 (VCV002914292.3), dbSNP rs2513630087, ClinGen allele CA2739276875.